The following is an entry in ClinVar:

NM_000660.7(TGFB1):c.1046G>A (p.Gly349Asp)

Gene: TGFB1 (transforming growth factor beta 1; minus strand). Cytogenetic location: 19q13.2.
Variant type: single nucleotide variant.
Coding change: c.1046G>A on transcript NM_000660.7 (MANE Select); coding-DNA position 1046, G replaced by A.
Protein change: p.Gly349Asp; replaces glycine 349 with aspartic acid.
Molecular consequence: missense variant.
Genome position (GRCh38, 1-based): chr19:41,331,179, C>T on the plus strand (G>A on the coding strand, the complement: TGFB1 is on the minus strand). VCF-style: chr19-41331179-C-T. GRCh37 (hg19) VCF-style: chr19-41837084-C-T.
Other names: short protein forms G349D.
Identifiers: ClinVar variation 4806142 (VCV004806142.1).

ClinVar aggregate classification (germline): Uncertain significance (1 of 4 stars; one submission).

gnomAD v4.1: 1 of 1,547,642 alleles (0.000065%); highest among the groups gnomAD compares: South Asian, 0.0012%; no homozygotes.

Submission:

Labcorp Genetics (formerly Invitae), Labcorp
Classification: Uncertain significance. Last evaluated: 2025-07-21. Review status: criteria provided, single submitter. Criteria: Invitae Variant Classification Sherloc (09022015). Collection method: clinical testing. Allele origin: germline.
Comment: This sequence change replaces glycine, which is neutral and non-polar, with aspartic acid, which is acidic and polar, at codon 349 of the TGFB1 protein (p.Gly349Asp). The frequency data for this variant in the population databases is considered unreliable, as metrics indicate poor data quality at this position in the gnomAD database. This variant has not been reported in the literature in individuals affected with TGFB1-related conditions. Invitae Evidence Modeling of protein sequence and biophysical properties (such as structural, functional, and spatial information, amino acid conservation, physicochemical variation, residue mobility, and thermodynamic stability) indicates that this missense variant is not expected to disrupt TGFB1 protein function with a negative predictive value of 80%. In summary, the available evidence is currently insufficient to determine the role of this variant in disease. Therefore, it has been classified as a Variant of Uncertain Significance.